The following is an entry in ClinVar:

ClinVar aggregate classification (germline): Pathogenic (1 of 4 stars; one submission).

Conditions:
Autosomal recessive distal spinal muscular atrophy 2. Also called: NEURONOPATHY, DISTAL HEREDITARY MOTOR, JERASH TYPE; NEUROPATHY, DISTAL HEREDITARY MOTOR, JERASH TYPE; SPINAL MUSCULAR ATROPHY, JERASH TYPE; Hereditary motor neuropathy, Jerash type; Motor neuropathy, distal, Jerash type; NEUROPATHY, DISTAL HEREDITARY MOTOR, AUTOSOMAL RECESSIVE 2. Identifiers: Orphanet 139552, MedGen C1854023, MONDO:0011585, OMIM 605726.
Amyotrophic lateral sclerosis type 16. Also called: AMYOTROPHIC LATERAL SCLEROSIS 16, JUVENILE. Identifiers: Orphanet 300605, MedGen C3280587, MONDO:0013715, OMIM 614373.

Submission:

Labcorp Genetics (formerly Invitae), Labcorp
Classification: Pathogenic for Autosomal recessive distal spinal muscular atrophy 2; Amyotrophic lateral sclerosis type 16. Last evaluated: 2023-03-13. Review status: criteria provided, single submitter. Criteria: Invitae Variant Classification Sherloc (09022015). Collection method: clinical testing. Allele origin: germline.
Comment: For these reasons, this variant has been classified as Pathogenic. This variant has not been reported in the literature in individuals affected with SIGMAR1-related conditions. This variant is not present in population databases (gnomAD no frequency). This sequence change creates a premature translational stop signal (p.Ser125*) in the SIGMAR1 gene. It is expected to result in an absent or disrupted protein product. Loss-of-function variants in SIGMAR1 are known to be pathogenic (PMID: 26078401, 27402882, 28708278, 29115704).

Literature cited by the submitters: PubMed 26078401; PubMed 27402882; PubMed 28708278; PubMed 29115704.

NM_005866.4(SIGMAR1):c.374C>A (p.Ser125Ter)

Gene: SIGMAR1 (sigma receptor chaperone 1; minus strand). Cytogenetic location: 9p13.3.
Variant type: single nucleotide variant.
Coding change: c.374C>A on transcript NM_005866.4 (MANE Select); coding-DNA position 374, C replaced by A.
Protein change: p.Ser125Ter; replaces serine 125 with a stop codon.
Molecular consequence: nonsense. On other transcripts: synonymous variant (1), non-coding transcript variant (1), intron variant (2).
Genome position (GRCh38, 1-based): chr9:34,637,068, G>T on the plus strand (C>A on the coding strand, the complement: SIGMAR1 is on the minus strand). VCF-style: chr9-34637068-G-T. GRCh37 (hg19) VCF-style: chr9-34637065-G-T.
Other names: c.374C>A, p.Ser125Ter (NM_001282205.2); c.74C>A, p.Ser25Ter (NM_001282206.2); c.314C>A, p.Ser105Ter (NM_001282207.2); c.397C>A, p.Arg133= (NM_001282208.2); c.305+199C>A (NM_001282209.2); c.352+152C>A (NM_147157.3); short protein forms S105*, S125*, S25*.
Identifiers: ClinVar variation 2945263 (VCV002945263.3), dbSNP rs755994483, ClinGen allele CA373274242.